The following is an entry in ClinVar:

NM_001288705.3(CSF1R):c.2345G>A (p.Arg782His)

Gene: CSF1R (colony stimulating factor 1 receptor; minus strand). Cytogenetic location: 5q32.
Variant type: single nucleotide variant.
Coding change: c.2345G>A on transcript NM_001288705.3 (MANE Select); coding-DNA position 2345, G replaced by A.
Protein change: p.Arg782His; replaces arginine 782 with histidine.
Molecular consequence: missense variant. On other transcripts: non-coding transcript variant (2).
Genome position (GRCh38, 1-based): chr5:150,056,316, C>T on the plus strand (G>A on the coding strand, the complement: CSF1R is on the minus strand). VCF-style: chr5-150056316-C-T. GRCh37 (hg19) VCF-style: chr5-149435879-C-T.
Other names: c.2345G>A, p.Arg782His (NM_001349736.2, NM_001375320.1, NM_005211.4); c.1901G>A, p.Arg634His (NM_001375321.1); short protein forms R782H, R634H.
Identifiers: ClinVar variation 38378 (VCV000038378.16), dbSNP rs281860281, ClinGen allele CA343014.
Genomic context (GRCh38, chr5:150,056,316, plus strand): 5'-TCCCTAGCCAGCCCGAAGTCCCCAATCTTGGCCACATGACCATTGGTCAACAGCACGTTA[C>T]GCGCTGCCACGTCCCGGTGGATGCACTGAGGGAAAGCACTGCAGGGTTAGTCTTGGGCCT-3'
Protein context (NP_001275634.1, residues 772-792): KNCIHRDVAA[Arg782His]NVLLTNGHVA

ClinVar aggregate classification (germline): Pathogenic/Likely pathogenic. Review status: criteria provided, multiple submitters, no conflicts (2 of 4 stars). 6 submissions from 6 submitters: Pathogenic (4); Likely pathogenic (1). 1 of the submissions does not count toward it. Last evaluated 2026-04-22.

Conditions:
Brain abnormalities, neurodegeneration, and dysosteosclerosis. Identifiers: MedGen C5193117, MONDO:0032772, OMIM 618476.
Leukoencephalopathy, diffuse hereditary, with spheroids 1 (HDLS1). Also called: DEMENTIA, FAMILIAL, NEUMANN TYPE; SUBCORTICAL GLIOSIS OF NEUMANN; CSF1R-related adult-onset leukoencephalopathy with axonal spheroids and pigmented glia. Identifiers: Orphanet 313808, MedGen C5561929, MONDO:0800027, OMIM 221820.
Neurodegeneration. Also called: Neurodegenerative disease; neurodegenerative disorder; Neurodegenerative illness. Identifiers: MedGen C0027746, MONDO:0005559, HP:0002180.
Hereditary diffuse leukoencephalopathy with spheroids. Also called: LEUKOENCEPHALOPATHY, ADULT-ONSET, WITH AXONAL SPHEROIDS AND PIGMENTED GLIA. Identifiers: Orphanet 313808, MedGen C3711381, MONDO:0030796.

Submissions (6):

Clinical Genetics Laboratory, Skane University Hospital Lund
Classification: Pathogenic for Neurodegeneration. Last evaluated: 2026-04-22. Review status: criteria provided, single submitter. Criteria: ACMG Guidelines, 2015. Collection method: clinical testing. Allele origin: germline. Affected: yes.
Comment: PS3_supporting, PS4, PM1, PM2 and PP3

GeneDx
Classification: Pathogenic. Last evaluated: 2025-06-13. Review status: criteria provided, single submitter. Criteria: GeneDx Variant Classification Process June 2021. Collection method: clinical testing. Allele origin: germline. Affected: yes.
Comment: Published functional studies demonstrate a damaging effect, revealing loss of autophosphorylation of selected tyrosine residues in the kinase domain (PMID: 23408870); Not observed at significant frequency in large population cohorts (gnomAD); In silico analysis supports that this missense variant has a deleterious effect on protein structure/function; This variant is associated with the following publications: (PMID: 22934315, 36980326, 8614507, 23408870, 33866445, 25563800, 26141825, 27619214, 28334938, 22503135)

Labcorp Genetics (formerly Invitae), Labcorp
Classification: Pathogenic. Last evaluated: 2022-10-22. Review status: criteria provided, single submitter. Criteria: Invitae Variant Classification Sherloc (09022015). Collection method: clinical testing. Allele origin: germline.
Comment: Experimental studies have shown that this missense change affects CSF1R function (PMID: 23408870). For these reasons, this variant has been classified as Pathogenic. Advanced modeling of protein sequence and biophysical properties (such as structural, functional, and spatial information, amino acid conservation, physicochemical variation, residue mobility, and thermodynamic stability) has been performed at Invitae for this missense variant, however the output from this modeling did not meet the statistical confidence thresholds required to predict the impact of this variant on CSF1R protein function. ClinVar contains an entry for this variant (Variation ID: 38378). This missense change has been observed in individuals with autosomal dominant CSF1R-related conditions (PMID: 22503135, 23408870, 25563800). It has also been observed to segregate with disease in related individuals. This variant is not present in population databases (gnomAD no frequency). This sequence change replaces arginine, which is basic and polar, with histidine, which is basic and polar, at codon 782 of the CSF1R protein (p.Arg782His).

Fulgent Genetics
Classification: Pathogenic for Leukoencephalopathy, diffuse hereditary, with spheroids 1; Brain abnormalities, neurodegeneration, and dysosteosclerosis. Last evaluated: 2021-08-09. Review status: criteria provided, single submitter. Criteria: ACMG Guidelines, 2015. Collection method: clinical testing. Allele origin: unknown.

Illumina Laboratory Services, Illumina
Classification: Likely pathogenic for CSF1R-related adult-onset leukoencephalopathy with axonal spheroids and pigmented glia. Last evaluated: 2020-09-04. Review status: criteria provided, single submitter. Criteria: ICSLVariantClassificationCriteria RUGD 01 April 2020. Collection method: clinical testing. Allele origin: unknown.
Comment: The CSF1R c.2345G>A (p.Arg782His) variant is a missense variant that is reported in at least three studies in which it is found in a heterozygous state in at least three unrelated affected individuals, including one with biopsy-proven leukoencephalopathy with autosomal dominant inheritance and pre-senile dementia, in two affected siblings with biopsy-proven hereditary diffuse leukoencephalopathy with axonal spheroids (HDLS), and in one individual with autopsy-proven pigmented orthochromatic leukodystrophy (Kinoshita et al. 2012; Nicholson et al. 2013; Kim et al. 2015). The variant was absent from 1,089 control individuals and is not found in the Genome Aggregation Database in a region of good sequence coverage, so it is presumed to be rare. The p.Arg782His variant is located in the functionally important tyrosine kinase domain, which is reported to contain 95% of CSF1R variants identified in cases of HDLS to date (Zhuang et al. 2020). In vitro functional expression studies in HeLa cells showed loss of CSF1R autophosphorylation of selected tyrosine residues in the kinase domain for this variant when compared with wildtype CSF1R (Nicholson et al. 2013). Based on the collective evidence and application of the ACMG criteria, the p.Arg782His variant is classified as likely pathogenic for CSF1R-related adult-onset leukoencephalopathy with axonal spheroids and pigmented glia.

OMIM
Classification: Pathogenic for LEUKOENCEPHALOPATHY, HEREDITARY DIFFUSE, WITH SPHEROIDS. Last evaluated: 2013-03-12. Review status: no assertion criteria provided. Collection method: literature only. Allele origin: germline. Not counted in ClinVar's aggregate classification.

Literature cited by the submitters: PubMed 23408870 (cited by 3 submitters); PubMed 22503135 (cited by Labcorp Genetics (formerly Invitae), Labcorp and Illumina Laboratory Services, Illumina); PubMed 25563800 (cited by Labcorp Genetics (formerly Invitae), Labcorp and Illumina Laboratory Services, Illumina); PubMed 32055602 (cited by Illumina Laboratory Services, Illumina); PubMed 8614507 (cited by OMIM).